The following is an entry in ClinVar:

ClinVar aggregate classification (germline): Uncertain significance. Review status: criteria provided, single submitter (1 of 4 stars). 2 submissions from 2 submitters: Uncertain significance (1). 1 of the submissions does not count toward it. Last evaluated 2021-08-30.

Conditions:
Retinitis pigmentosa 26 (RP26). Identifiers: Orphanet 791, MedGen C1842127, MONDO:0012024, OMIM 608380.
CERKL-related retinopathy. Identifiers: MedGen CN322607, MONDO:0800401.

Allele frequency attached by ClinVar (database versions not stated): TOPMed 0.00001.
gnomAD v4.1: 8 of 1,585,698 alleles (0.0005%); highest among the groups gnomAD compares: Non-Finnish European, 0.0006%; no homozygotes.

Submissions (2):

Labcorp Genetics (formerly Invitae), Labcorp
Classification: Uncertain significance. Last evaluated: 2021-08-30. Review status: criteria provided, single submitter. Criteria: Invitae Variant Classification Sherloc (09022015). Collection method: clinical testing. Allele origin: germline.
Comment: This sequence change falls in intron 1 of the CERKL gene. It does not directly change the encoded amino acid sequence of the CERKL protein. It affects a nucleotide within the consensus splice site of the intron. This variant is present in population databases (rs749540242, ExAC 0.003%). This variant has not been reported in the literature in individuals affected with CERKL-related conditions. Variants that disrupt the consensus splice site are a relatively common cause of aberrant splicing (PMID: 17576681, 9536098). Algorithms developed to predict the effect of sequence changes on RNA splicing suggest that this variant may disrupt the consensus splice site. In summary, the available evidence is currently insufficient to determine the role of this variant in disease. Therefore, it has been classified as a Variant of Uncertain Significance.

Natera, Inc.
Classification: Uncertain significance for Retinitis Pigmentosa 26. Last evaluated: 2020-01-17. Review status: no assertion criteria provided. Collection method: clinical testing. Allele origin: germline. Not counted in ClinVar's aggregate classification.

Literature cited by the submitters: PubMed 17576681 (cited by Labcorp Genetics (formerly Invitae), Labcorp); PubMed 9536098 (cited by Labcorp Genetics (formerly Invitae), Labcorp).

NM_201548.5(CERKL):c.238+6T>C

Genes: CERKL (CERK like autophagy regulator; minus strand), LOC129935214 (ATAC-STARR-seq lymphoblastoid silent region 12157; plus strand). Cytogenetic location: 2q31.3.
Variant type: single nucleotide variant.
Coding change: c.238+6T>C on transcript NM_201548.5 (MANE Select); 6 bases into the intron after coding-DNA position 238, T replaced by C.
Molecular consequence: intron variant.
Genome position (GRCh38, 1-based): chr2:181,656,763, A>G on the plus strand (T>C on the coding strand, the complement: CERKL is on the minus strand). VCF-style: chr2-181656763-A-G. GRCh37 (hg19) VCF-style: chr2-182521490-A-G.
Other names: c.238+6T>C (NM_001030312.3, NM_001160277.2, NM_001030313.3 and 1 more transcripts).
Identifiers: ClinVar variation 1038448 (VCV001038448.8), dbSNP rs749540242, ClinGen allele CA2010911.